The following is an entry in ClinVar:

NM_000256.3(MYBPC3):c.3763G>A (p.Ala1255Thr)

Gene: MYBPC3 (myosin binding protein C3; minus strand). Cytogenetic location: 11p11.2.
Variant type: single nucleotide variant.
Coding change: c.3763G>A on transcript NM_000256.3 (MANE Select); coding-DNA position 3763, G replaced by A.
Protein change: p.Ala1255Thr; replaces alanine 1255 with threonine.
Molecular consequence: missense variant.
Genome position (GRCh38, 1-based): chr11:47,332,123, C>T on the plus strand (G>A on the coding strand, the complement: MYBPC3 is on the minus strand). VCF-style: chr11-47332123-C-T. GRCh37 (hg19) VCF-style: chr11-47353674-C-T.
Other names: short protein forms A1255T.
Identifiers: ClinVar variation 164023 (VCV000164023.80), dbSNP rs727503167, ClinGen allele CA014812.

ClinVar aggregate classification (germline): Conflicting classifications of pathogenicity. Review status: criteria provided, conflicting classifications (1 of 4 stars). 13 submissions from 13 submitters: Likely pathogenic (1); Uncertain significance (11); Likely benign (1). Last evaluated 2026-01-07.

Conditions:
Cardiovascular phenotype. Identifiers: MedGen CN230736.
MYBPC3-related disorder. Also called: MYBPC3-related disorders; MYBPC3-related condition; MYBPC3-related disease.
Cardiomyopathy (CMYO). Also called: Cardiomyopathies. Identifiers: Orphanet 167848, MedGen C0878544, MONDO:0004994, HP:0001638. Inheritance: Various modes of inheritance.
Hypertrophic cardiomyopathy 4. Also called: Familial hypertrophic cardiomyopathy 4. Identifiers: MedGen C1861862, MONDO:0007268, OMIM 115197.
Hypertrophic cardiomyopathy. Also called: HYPERTROPHIC MYOCARDIOPATHY. Identifiers: Orphanet 217569, MedGen C0007194, MeSH D002312, MONDO:0005045, HP:0001639.

Allele frequency attached by ClinVar (database versions not stated): gnomAD 0.00001; TOPMed 0.00002; gnomAD exomes 0.00003 and 0.00007; ExAC 0.00008.
gnomAD v4.1: 53 of 1,613,512 alleles (0.0033%); highest among the groups gnomAD compares: Admixed American, 0.022%; no homozygotes.

Submissions 1 to 6 of 13:

Labcorp Genetics (formerly Invitae), Labcorp
Classification: Uncertain significance for Hypertrophic cardiomyopathy. Last evaluated: 2026-01-07. Review status: criteria provided, single submitter. Criteria: Invitae Variant Classification Sherloc (09022015). Collection method: clinical testing. Allele origin: germline.
Comment: This sequence change replaces alanine, which is neutral and non-polar, with threonine, which is neutral and polar, at codon 1255 of the MYBPC3 protein (p.Ala1255Thr). This variant is present in population databases (rs727503167, gnomAD 0.03%), and has an allele count higher than expected for a pathogenic variant. This missense change has been observed in individual(s) with hypertrophic cardiomyopathy (PMID: 12707239, 20031618, 23396983, 25351510, 25524337, 27532257, 33782553, 34400558, 38002985). ClinVar contains an entry for this variant (Variation ID: 164023). An algorithm developed to predict the effect of missense changes on protein structure and function (PolyPhen-2) suggests that this variant is likely to be disruptive. In summary, the available evidence is currently insufficient to determine the role of this variant in disease. Therefore, it has been classified as a Variant of Uncertain Significance.

GeneDx
Classification: Uncertain significance. Last evaluated: 2024-12-31. Review status: criteria provided, single submitter. Criteria: GeneDx Variant Classification Process June 2021. Collection method: clinical testing. Allele origin: germline. Affected: yes.
Comment: In silico analysis supports that this missense variant has a deleterious effect on protein structure/function; This variant is associated with the following publications: (PMID: 25524337, 28840316, 24793961, 27532257, 12707239, 23396983, 15115610, 28679633, 28771489, 25351510, 20031618, 28518168, Komissarova2021[article], Komissarova2022[article], 34400558, 33782553, 37652022, 28436997)

Women's Health and Genetics/Laboratory Corporation of America, LabCorp
Classification: Uncertain significance. Last evaluated: 2024-12-20. Review status: criteria provided, single submitter. Criteria: LabCorp Variant Classification Summary - May 2015. Collection method: clinical testing. Allele origin: germline.
Comment: Variant summary: MYBPC3 c.3763G>A (p.Ala1255Thr) results in a non-conservative amino acid change located in the Immunoglobulin I-set domain (IPR013098) of the encoded protein sequence. Four of four in-silico tools predict a damaging effect of the variant on protein function. The variant allele was found at a frequency of 6.8e-05 in 248930 control chromosomes. This frequency is not significantly higher than estimated for a pathogenic variant in MYBPC3 causing Hypertrophic Cardiomyopathy (6.8e-05 vs 0.001), allowing no conclusion about variant significance. c.3763G>A has been reported in the heterozygous state in the literature in numerous individuals affected with Hypertrophic Cardiomyopathy or, rarely, other cardiac conditions (example, Bos_2014, Chumakova_2023, Coppini_2014, Goli_2021, Lopes_2015, Janin_2017, Kaski_2009, Lopes_2013, Mademont-Soler_2017, Mazzarotto_2018, McGurk_2023, Richard_2003, Thompson_2021, Walsh_2017). Further, it has also been reported in the biallelic state with two distinct likely pathogenic/pathogenic variants in at least 2 individuals with pediatric onset Hypertrophic Cardiomyopathy (Field_2022), however to our knowledge there is not currently a well-established recessive gene-disease association for MYBPC3. These report(s) do not provide unequivocal conclusions about association of the variant with Hypertrophic Cardiomyopathy. To our knowledge, no experimental evidence demonstrating an impact on protein function has been reported, though an in vitro splicing study suggested no impact to splicing (Ito_2017). The following publications have been ascertained in the context of this evaluation (PMID: 24793961, 38002985, 25524337, 34400558, 33874732, 28679633, 28436997, 20031618, 23396983, 28771489, 29875424, 37652022, 12707239, 33782553, 27532257, 25351510). ClinVar contains an entry for this variant (Variation ID: 164023). Based on the evidence outlined above, the variant was classified as VUS-possibly pathogenic.

All of Us Research Program, National Institutes of Health
Classification: Uncertain significance for Hypertrophic cardiomyopathy. Last evaluated: 2024-09-23. Review status: criteria provided, single submitter. Criteria: ACMG Guidelines, 2015. Collection method: clinical testing. Allele origin: germline. Inheritance: Autosomal dominant inheritance. Observed: 16 variant alleles, 16 heterozygotes.
Comment: This missense variant replaces alanine with threonine at codon 1255 of the MYBPC3 protein. Computational prediction tools indicate that this variant has a deleterious impact on protein structure and function. A minigene assay suggests that this variant does not affect normal RNA splicing (PMID: 28679633), however the clinical relevance of this observation is unknown. This variant has been reported in individuals affected with hypertrophic cardiomyopathy (PMID: 12707239, 20031618, 23396983, 25524337, 25351510, 27532257, 28771489, 33782553). It has also been reported in two individuals affected with peripartum cardiomyopathy (PMID: 33874732), in two individuals affected with an unspecified cardiomyopathy (PMID: 37477868), in one individual affected with dilated cardiomyopathy (PMID: 28436997), and in one individual affected with sudden cardiac arrest (PMID: 37194601). This variant has been identified in 19/280328 chromosomes in the general population by the Genome Aggregation Database (gnomAD). The available evidence is insufficient to determine the role of this variant in disease conclusively. Therefore, this variant is classified as a Variant of Uncertain Significance.

This study involves interpretation of variants in research participants for the purpose of population health screening. Participant phenotype was not available at the time of variant classification. Additional details can be found in publication PMID: 35346344, PMCID: PMC8962531

Molecular Genetics, Royal Melbourne Hospital
Classification: Uncertain significance for Hypertrophic cardiomyopathy. Last evaluated: 2024-08-05. Review status: criteria provided, single submitter. Criteria: ACMG Guidelines, 2015. Collection method: clinical testing. Allele origin: germline. Inheritance: Autosomal dominant inheritance. Affected: yes.
Comment: This sequence change in MYBPC3 is predicted to replace alanine with threonine at codon 1255, p.(Ala1255Thr). The alanine residue is highly conserved (100 vertebrates, Multiz Alignments), and is located in the IG-like C2 Type domain 7 in a region (amino acids 1248-1266) defined as a mutational hotspot for hypertrophic cardiomyopathy (HCM, PMID: 30696458). There is a small physicochemical difference between alanine and threonine. The highest population minor allele frequency in the population database gnomAD v4.1 is 0.01% (13/60,012 alleles) in the Admixed American population. This variant has been reported in multiple individuals with HCM and at least one individual with dilated cardiomyopathy (PMID: 27532257, 38836037, 28436997). Computational evidence predicts a deleterious effect for the missense substitution (REVEL = 0.840). Based on the classification scheme RMH Modified ACMG/AMP Guidelines v1.7.0, this variant is classified as a VARIANT OF UNCERTAIN SIGNIFICANCE. Following criteria are met: PM1, PP3.

Color Diagnostics, LLC DBA Color Health
Classification: Uncertain significance for Cardiomyopathy. Last evaluated: 2024-02-20. Review status: criteria provided, single submitter. Criteria: ACMG Guidelines, 2015. Collection method: clinical testing. Allele origin: germline.
Comment: This missense variant replaces alanine with threonine at codon 1255 of the MYBPC3 protein. Computational prediction tools indicate that this variant has a deleterious impact on protein structure and function. A minigene assay suggests that this variant does not affect normal RNA splicing (PMID: 28679633), however the clinical relevance of this observation is unknown. This variant has been reported in individuals affected with hypertrophic cardiomyopathy (PMID: 12707239, 20031618, 23396983, 25524337, 25351510, 27532257, 28771489, 33782553). It has also been reported in two individuals affected with peripartum cardiomyopathy (PMID: 33874732), in two individuals affected with an unspecified cardiomyopathy (PMID: 37477868), in one individual affected with dilated cardiomyopathy (PMID: 28436997), and in one individual affected with sudden cardiac arrest (PMID: 37194601). This variant has been identified in 19/280328 chromosomes in the general population by the Genome Aggregation Database (gnomAD). The available evidence is insufficient to determine the role of this variant in disease conclusively. Therefore, this variant is classified as a Variant of Uncertain Significance.